The following is an entry in ClinVar:

ClinVar aggregate classification (germline): Pathogenic. Review status: criteria provided, multiple submitters, no conflicts (2 of 4 stars). 2 submissions from 2 submitters: Pathogenic (2). Last evaluated 2024-08-22.

Conditions:
Hereditary cancer-predisposing syndrome. Also called: Hereditary Cancer Syndrome; Hereditary neoplastic syndrome; Tumor predisposition; Neoplastic Syndromes, Hereditary. Identifiers: Orphanet 140162, MedGen C0027672, MeSH D009386, MONDO:0015356.
Cardiovascular phenotype. Identifiers: MedGen CN230736.

Submissions (2):

Ambry Genetics
Classification: Pathogenic for Cardiovascular phenotype; Hereditary cancer-predisposing syndrome. Last evaluated: 2024-08-22. Review status: criteria provided, single submitter. Criteria: Ambry Variant Classification Scheme 2023. Collection method: clinical testing. Allele origin: germline.
Comment: The c.962_964delGGG pathogenic mutation (also known as p.W321*), located in coding exon 9 of the LZTR1 gene, results from a GGG deletion at nucleotide positions 962 to 964. This changes the amino acid from a tryptophan to a stop codon within coding exon 9. This variant is considered to be rare based on population cohorts in the Genome Aggregation Database (gnomAD). Loss-of-function variants in LZTR1 are related to an increased risk for schwannomas and autosomal recessive Noonan syndrome; however, such associations with autosomal dominant Noonan syndrome have not been observed (Piotrowski A et al. Nat Genet. 2014 Feb;46:182-7; Yamamoto GL et al. J Med Genet. 2015 Jun;52:413-21; Johnston JJ et al. Genet Med. 2018 10;20:1175-1185). Based on the supporting evidence, this variant is pathogenic for an increased risk of LZTR1-related schwannomatosis (SWN) and would be expected to cause autosomal recessive Noonan syndrome when present along with a second pathogenic or likely pathogenic variant on the other allele; however, the association of this alteration with autosomal dominant Noonan syndrome is unlikely.

Labcorp Genetics (formerly Invitae), Labcorp
Classification: Pathogenic. Last evaluated: 2024-03-15. Review status: criteria provided, single submitter. Criteria: Invitae Variant Classification Sherloc (09022015). Collection method: clinical testing. Allele origin: germline.
Comment: This sequence change creates a premature translational stop signal (p.Trp321*) in the LZTR1 gene. It is expected to result in an absent or disrupted protein product. Loss-of-function variants in LZTR1 are known to be pathogenic (PMID: 24362817, 25335493, 25480913, 25795793, 29469822, 30368668, 30442762, 30442766, 30481304, 30859559). This variant is not present in population databases (gnomAD no frequency). This variant has not been reported in the literature in individuals affected with LZTR1-related conditions. For these reasons, this variant has been classified as Pathogenic.

Literature cited by the submitters: PubMed 24362817 (cited by Labcorp Genetics (formerly Invitae), Labcorp); PubMed 25335493 (cited by Labcorp Genetics (formerly Invitae), Labcorp); PubMed 25480913 (cited by Labcorp Genetics (formerly Invitae), Labcorp); PubMed 25795793 (cited by Labcorp Genetics (formerly Invitae), Labcorp); PubMed 29469822 (cited by Labcorp Genetics (formerly Invitae), Labcorp); PubMed 30368668 (cited by Labcorp Genetics (formerly Invitae), Labcorp); PubMed 30442762 (cited by Labcorp Genetics (formerly Invitae), Labcorp); PubMed 30442766 (cited by Labcorp Genetics (formerly Invitae), Labcorp); PubMed 30481304 (cited by Labcorp Genetics (formerly Invitae), Labcorp); PubMed 30859559 (cited by Labcorp Genetics (formerly Invitae), Labcorp).

NM_006767.4(LZTR1):c.962_964del (p.Trp321_Glu322delinsTer)

Gene: LZTR1 (leucine zipper like post translational regulator 1; plus strand). Cytogenetic location: 22q11.21.
Variant type: Deletion.
Coding change: c.962_964del on transcript NM_006767.4 (MANE Select); coding-DNA positions 962 to 964, 3 bases deleted (GGG; older notation c.962_964delGGG).
Protein change: p.Trp321_Glu322delinsTer.
Molecular consequence: nonsense.
Genome position (GRCh38, 1-based): chr22:20,991,798-20,991,800, GGG deleted. VCF-style (leftmost placement, unchanged base first): chr22-20991797-TGGG-T. GRCh37 (hg19) VCF-style: chr22-21346086-TGGG-T.
Identifiers: ClinVar variation 3541510 (VCV003541510.3).
Genomic context (GRCh38, chr22:20,991,797, plus strand): 5'-GGTGCGGCCGACAACACGCTGCCCAACGAGCTGCACTGCTATGACGTGGACTTCCAGACC[TGGG>T]AGGTCGTCCAGCCCAGCTCCGACAGCGAGGTGAGGGTGCCCAGGGGTGTCCTGACCTGCC-3'